The following is an entry in ClinVar:

NM_003126.4(SPTA1):c.7163G>A (p.Cys2388Tyr)

Genes: OR10Z1 (olfactory receptor family 10 subfamily Z member 1; plus strand), SPTA1 (spectrin alpha, erythrocytic 1; minus strand). Cytogenetic location: 1q23.1.
Variant type: single nucleotide variant.
Coding change: c.7163G>A on transcript NM_003126.4 (MANE Select); coding-DNA position 7163, G replaced by A.
Protein change: p.Cys2388Tyr; replaces cysteine 2388 with tyrosine.
Molecular consequence: missense variant. On other transcripts: 3 prime UTR variant (1).
Genome position (GRCh38, 1-based): chr1:158,611,361, C>T on the plus strand (G>A on the coding strand, the complement: SPTA1 is on the minus strand). VCF-style: chr1-158611361-C-T. GRCh37 (hg19) VCF-style: chr1-158581151-C-T.
Other names: p.Cys2388Tyr; c.*3981C>T (NM_001004478.2); short protein forms C2388Y.
Identifiers: ClinVar variation 3379979 (VCV003379979.2).

ClinVar aggregate classification (germline): Uncertain significance. Review status: criteria provided, multiple submitters, no conflicts (2 of 4 stars). 2 submissions from 2 submitters: Uncertain significance (2). Last evaluated 2025-12-09.

Submissions (2):

Labcorp Genetics (formerly Invitae), Labcorp
Classification: Uncertain significance. Last evaluated: 2025-12-09. Review status: criteria provided, single submitter. Criteria: Invitae Variant Classification Sherloc (09022015). Collection method: clinical testing. Allele origin: germline.
Comment: This sequence change replaces cysteine, which is neutral and slightly polar, with tyrosine, which is neutral and polar, at codon 2388 of the SPTA1 protein (p.Cys2388Tyr). This variant is not present in population databases (gnomAD no frequency). This variant has not been reported in the literature in individuals affected with SPTA1-related conditions. ClinVar contains an entry for this variant (Variation ID: 3379979). Invitae Evidence Modeling of protein sequence and biophysical properties (such as structural, functional, and spatial information, amino acid conservation, physicochemical variation, residue mobility, and thermodynamic stability) has been performed for this missense variant. However, the output from this modeling did not meet the statistical confidence thresholds required to predict the impact of this variant on SPTA1 protein function. In summary, the available evidence is currently insufficient to determine the role of this variant in disease. Therefore, it has been classified as a Variant of Uncertain Significance.

Mayo Clinic Laboratories, Mayo Clinic
Classification: Uncertain significance. Last evaluated: 2024-08-23. Review status: criteria provided, single submitter. Criteria: ACMG Guidelines, 2015. Collection method: clinical testing. Allele origin: germline. Observed: 1 variant allele.
Comment: PM2